The following is an entry in ClinVar:

NM_000038.6(APC):c.7906A>C (p.Asn2636His)

Gene: APC (APC regulator of Wnt signaling pathway; plus strand). Cytogenetic location: 5q22.2.
Variant type: single nucleotide variant.
Coding change: c.7906A>C on transcript NM_000038.6 (MANE Select); coding-DNA position 7906, A replaced by C.
Protein change: p.Asn2636His; replaces asparagine 2636 with histidine.
Molecular consequence: missense variant.
Genome position (GRCh38, 1-based): chr5:112,843,500, A>C. VCF-style: chr5-112843500-A-C. GRCh37 (hg19) VCF-style: chr5-112179197-A-C.
Other names: c.7906A>C, p.Asn2636His (NM_001127510.3, NM_001354895.2); c.7852A>C, p.Asn2618His (NM_001127511.3); c.7960A>C, p.Asn2654His (NM_001354896.2); c.7936A>C, p.Asn2646His (NM_001354897.2); c.7831A>C, p.Asn2611His (NM_001354898.2); c.7822A>C, p.Asn2608His (NM_001354899.2); c.7783A>C, p.Asn2595His (NM_001354900.2); c.7729A>C, p.Asn2577His (NM_001354901.2); and 5 more; short protein forms N2618H, N2636H, N2535H, N2595H, N2510H, N2577H, N2611H, N2654H.
Identifiers: ClinVar variation 482315 (VCV000482315.4), dbSNP rs1554088735, ClinGen allele CA16038500.

ClinVar aggregate classification (germline): Uncertain significance (1 of 4 stars; one submission).

Conditions:
Hereditary cancer-predisposing syndrome. Also called: Neoplastic Syndromes, Hereditary; Tumor predisposition; Hereditary Cancer Syndrome; Hereditary neoplastic syndrome. Identifiers: Orphanet 140162, MedGen C0027672, MeSH D009386, MONDO:0015356.

Submission:

Ambry Genetics
Classification: Uncertain significance for Hereditary cancer-predisposing syndrome. Last evaluated: 2016-02-29. Review status: criteria provided, single submitter. Criteria: Ambry Variant Classification Scheme 2023. Collection method: clinical testing. Allele origin: germline.
Comment: The p.N2636H variant (also known as c.7906A>C), located in coding exon 15 of the APC gene, results from an A to C substitution at nucleotide position 7906. The asparagine at codon 2636 is replaced by histidine, an amino acid with similar properties. This variant was not reported in population based cohorts in the following databases: Database of Single Nucleotide Polymorphisms (dbSNP), NHLBI Exome Sequencing Project (ESP), and 1000 Genomes Project. In the ESP, this variant was not observed in 6500 samples (13000 alleles) with coverage at this position. To date, this alteration has been detected with an allele frequency of approximately 0.001% (greater than 70000 alleles tested) in our clinical cohort. This amino acid position is not well conserved in available vertebrate species. In addition, this alteration is predicted to be benign and tolerated by PolyPhen and SIFT in silico Since supporting evidence is limited at this time, the clinical significance of this alteration remains unclear.analyses, respectively.